The following is an entry in ClinVar:

ClinVar aggregate classification (germline): Uncertain significance. Review status: criteria provided, multiple submitters, no conflicts (2 of 4 stars). 2 submissions from 2 submitters: Uncertain significance (2). Last evaluated 2025-02-17.

Conditions:
Acrocallosal syndrome (ACLS). Also called: HALLUX DUPLICATION, POSTAXIAL POLYDACTYLY, AND ABSENCE OF CORPUS CALLOSUM; Schinzel syndrome 1; Absence of corpus callosum with unusual facial appearance, mental deficiency, duplication of the halluces and polydactyly. Identifiers: Orphanet 36, MedGen C0796147, MONDO:0008708, OMIM 200990.

Allele frequency attached by ClinVar (database versions not stated): ExAC 0.00001; gnomAD exomes 0.00001 and 0.00003; gnomAD 0.00003; TOPMed 0.00003.
gnomAD v4.1: 50 of 1,609,978 alleles (0.0031%); highest among the groups gnomAD compares: Non-Finnish European, 0.0042%; no homozygotes.

Submissions (2):

Women's Health and Genetics/Laboratory Corporation of America, LabCorp
Classification: Uncertain significance. Last evaluated: 2025-02-17. Review status: criteria provided, single submitter. Criteria: LabCorp Variant Classification Summary - May 2015. Collection method: clinical testing. Allele origin: germline.
Comment: Variant summary: KIF7 c.2239G>C (p.Glu747Gln) results in a conservative amino acid change in the encoded protein sequence. Four of five in-silico tools predict a benign effect of the variant on protein function. The variant allele was found at a frequency of 8.3e-06 in 241722 control chromosomes. The available data on variant occurrences in the general population are insufficient to allow any conclusion about variant significance. To our knowledge, no occurrence of c.2239G>C in individuals affected with Acrocallosal Syndrome/Joubert Syndrome 12 and no experimental evidence demonstrating its impact on protein function have been reported. ClinVar contains an entry for this variant (Variation ID: 1499820). Based on the evidence outlined above, the variant was classified as uncertain significance.

Labcorp Genetics (formerly Invitae), Labcorp
Classification: Uncertain significance for Acrocallosal syndrome. Last evaluated: 2022-06-21. Review status: criteria provided, single submitter. Criteria: Invitae Variant Classification Sherloc (09022015). Collection method: clinical testing. Allele origin: germline.
Comment: In summary, the available evidence is currently insufficient to determine the role of this variant in disease. Therefore, it has been classified as a Variant of Uncertain Significance. Algorithms developed to predict the effect of missense changes on protein structure and function are either unavailable or do not agree on the potential impact of this missense change (SIFT: "Deleterious"; PolyPhen-2: "Probably Damaging"; Align-GVGD: "Class C0"). This variant has not been reported in the literature in individuals affected with KIF7-related conditions. This variant is present in population databases (rs760121687, gnomAD 0.002%). This sequence change replaces glutamic acid, which is acidic and polar, with glutamine, which is neutral and polar, at codon 747 of the KIF7 protein (p.Glu747Gln).

NM_198525.3(KIF7):c.2239G>C (p.Glu747Gln)

Gene: KIF7 (kinesin family member 7; minus strand). Cytogenetic location: 15q26.1.
Variant type: single nucleotide variant.
Coding change: c.2239G>C on transcript NM_198525.3 (MANE Select); coding-DNA position 2239, G replaced by C.
Protein change: p.Glu747Gln; replaces glutamic acid 747 with glutamine.
Molecular consequence: missense variant.
Genome position (GRCh38, 1-based): chr15:89,642,358, C>G on the plus strand (G>C on the coding strand, the complement: KIF7 is on the minus strand). VCF-style: chr15-89642358-C-G. GRCh37 (hg19) VCF-style: chr15-90185589-C-G.
Other names: short protein forms E747Q.
Identifiers: ClinVar variation 1499820 (VCV001499820.9), dbSNP rs760121687, ClinGen allele CA7728259.
Genomic context (GRCh38, chr15:89,642,358, plus strand): 5'-GCAGCTGCCTCTGGCCTTCACTCAGCTCGGCCCGCACCTGCTCTGCCTCCTGCTCCAGCT[C>G]CCGGATACGCTGGCTGTGCTGGCGGTTCAGGGCCTGAGCTGCCTTTCCTGGAAGAAAGCG-3'
Protein context (NP_940927.2, residues 737-757): LNRQHSQRIR[Glu747Gln]LEQEAEQVRA